The following is an entry in ClinVar:

ClinVar aggregate classification (germline): Pathogenic (1 of 4 stars; one submission).

Conditions:
Hereditary cancer-predisposing syndrome. Also called: Hereditary neoplastic syndrome; Neoplastic Syndromes, Hereditary; Tumor predisposition; Hereditary Cancer Syndrome. Identifiers: Orphanet 140162, MedGen C0027672, MeSH D009386, MONDO:0015356.

Submission:

Ambry Genetics
Classification: Pathogenic for Hereditary cancer-predisposing syndrome. Last evaluated: 2022-01-24. Review status: criteria provided, single submitter. Criteria: Ambry Variant Classification Scheme 2023. Collection method: clinical testing. Allele origin: germline.
Comment: The c.6466delG pathogenic mutation, located in coding exon 44 of the ATM gene, results from a deletion of one nucleotide at nucleotide position 6466, causing a translational frameshift with a predicted alternate stop codon (p.E2156Kfs*79). This alteration is expected to result in loss of function by premature protein truncation or nonsense-mediated mRNA decay. As such, this alteration is interpreted as a disease-causing mutation.

NM_000051.4(ATM):c.6466del (p.Glu2156fs)

Genes: ATM (ATM serine/threonine kinase; plus strand), C11orf65 (chromosome 11 open reading frame 65; minus strand). Cytogenetic location: 11q22.3.
Variant type: Deletion.
Coding change: c.6466del on transcript NM_000051.4 (MANE Select); coding-DNA position 6466, one base deleted (G; older notation c.6466delG).
Protein change: p.Glu2156fs; shifts the reading frame from glutamic acid 2156.
Molecular consequence: frameshift variant. On other transcripts: intron variant (2).
Genome position (GRCh38, 1-based): chr11:108,321,314, G deleted; the last of 2 consecutive G bases (chr11:108,321,313-108,321,314); deleting either gives the same sequence. VCF-style (leftmost placement, unchanged base first): chr11-108321312-TG-T. GRCh37 (hg19) VCF-style: chr11-108192039-TG-T.
Other names: c.6466del, p.Glu2156fs (NM_001351834.2); c.641-12242del (NM_001330368.2); c.*39-12242del (NM_001351110.2); short protein forms E2156fs.
Identifiers: ClinVar variation 1753676 (VCV001753676.2), dbSNP rs2547161115, ClinGen allele CA2580083448.